The following is an entry in ClinVar:

NM_005228.5(EGFR):c.2126A>T (p.Glu709Val)

Gene: EGFR (epidermal growth factor receptor; plus strand). Cytogenetic location: 7p11.2.
Variant type: single nucleotide variant.
Coding change: c.2126A>T on transcript NM_005228.5 (MANE Select); coding-DNA position 2126, A replaced by T.
Protein change: p.Glu709Val; replaces glutamic acid 709 with valine.
Molecular consequence: missense variant.
Genome position (GRCh38, 1-based): chr7:55,173,985, A>T. VCF-style: chr7-55173985-A-T. GRCh37 (hg19) VCF-style: chr7-55241678-A-T.
Other names: c.1991A>T, p.Glu664Val (NM_001346897.2, NM_001346899.2); c.2126A>T, p.Glu709Val (NM_001346898.2); c.1967A>T, p.Glu656Val (NM_001346900.2); c.1325A>T, p.Glu442Val (NM_001346941.2); short protein forms E709V, E656V, E442V, E664V.
Identifiers: ClinVar variation 177619 (VCV000177619.4), dbSNP rs397517085, ClinGen allele CA180528.
Genomic context (GRCh38, chr7:55,173,985, plus strand): 5'-TGGAGCCTCTTACACCCAGTGGAGAAGCTCCCAACCAAGCTCTCTTGAGGATCTTGAAGG[A>T]AACTGAATTCAAAAAGATCAAAGTGCTGGGCTCCGGTGCGTTCGGCACGGTGTATAAGGT-3'
Protein context (NP_005219.2, residues 699-719): PNQALLRILK[Glu709Val]TEFKKIKVLG

ClinVar aggregate classification (germline): Uncertain significance (0 of 4 stars; one submission).

Submission:

Laboratory for Molecular Medicine, Mass General Brigham Personalized Medicine
Classification: Uncertain significance. Last evaluated: 2006-10-28. Review status: no assertion criteria provided. Collection method: clinical testing. Allele origin: somatic. Observed: 1 variant allele.
Comment: (contact laboratory)